The following is an entry in ClinVar:

NM_001385125.1(OPN1SW):c.1027G>A (p.Gly343Ser)

Genes: CALU (calumenin; plus strand), OPN1SW (opsin 1, short wave sensitive; minus strand). Cytogenetic location: 7q32.1.
Variant type: single nucleotide variant.
Coding change: c.1027G>A on transcript NM_001385125.1 (MANE Select); coding-DNA position 1027, G replaced by A.
Protein change: p.Gly343Ser; replaces glycine 343 with serine.
Molecular consequence: missense variant. On other transcripts: 3 prime UTR variant (5), non-coding transcript variant (1).
Genome position (GRCh38, 1-based): chr7:128,772,551, C>T on the plus strand (G>A on the coding strand, the complement: OPN1SW is on the minus strand). VCF-style: chr7-128772551-C-T. GRCh37 (hg19) VCF-style: chr7-128412605-C-T.
Other names: c.*3384C>T (NM_001130674.3, NM_001199671.2, NM_001199672.2 and 1 more transcripts); c.*3457C>T (NM_001199673.2); short protein forms G343S.
Identifiers: ClinVar variation 3729257 (VCV003729257.2).

ClinVar aggregate classification (germline): Uncertain significance (1 of 4 stars; one submission).

gnomAD v4.1: 1 of 1,614,106 alleles (0.000062%); highest among the groups gnomAD compares: Non-Finnish European, 0.000085%; no homozygotes.

Submission:

Labcorp Genetics (formerly Invitae), Labcorp
Classification: Uncertain significance. Last evaluated: 2025-01-20. Review status: criteria provided, single submitter. Criteria: Invitae Variant Classification Sherloc (09022015). Collection method: clinical testing. Allele origin: germline.
Comment: This sequence change replaces glycine, which is neutral and non-polar, with serine, which is neutral and polar, at codon 346 of the OPN1SW protein (p.Gly346Ser). This variant is not present in population databases (gnomAD no frequency). This variant has not been reported in the literature in individuals affected with OPN1SW-related conditions. An algorithm developed to predict the effect of missense changes on protein structure and function (PolyPhen-2) suggests that this variant is likely to be tolerated. In summary, the available evidence is currently insufficient to determine the role of this variant in disease. Therefore, it has been classified as a Variant of Uncertain Significance.